The following is an entry in ClinVar:

NM_130384.3(ATRIP):c.1172G>T (p.Arg391Leu)

Genes: ATRIP (ATR interacting protein; plus strand), ATRIP-TREX1 (ATRIP-TREX1 readthrough; plus strand). Cytogenetic location: 3p21.31.
Variant type: single nucleotide variant.
Coding change: c.1172G>T on transcript NM_130384.3 (MANE Select); coding-DNA position 1172, G replaced by T.
Protein change: p.Arg391Leu; replaces arginine 391 with leucine.
Molecular consequence: missense variant. On other transcripts: non-coding transcript variant (1).
Genome position (GRCh38, 1-based): chr3:48,460,226, G>T. VCF-style: chr3-48460226-G-T. GRCh37 (hg19) VCF-style: chr3-48501625-G-T.
Other names: c.791G>T, p.Arg264Leu (NM_001271022.2); c.893G>T, p.Arg298Leu (NM_001271023.2); c.1172G>T, p.Arg391Leu (NM_032166.4); short protein forms R298L, R391L, R264L.
Identifiers: ClinVar variation 3809044 (VCV003809044.1).
Genomic context (GRCh38, chr3:48,460,226, plus strand): 5'-CCCTCTCAGCCCTGAGAGAAGCACAGAACCTGGCATTCACTGGACTGAATCTGGTTGCCC[G>T]GAATGAGTGCTCACGTGATGGAGACCCAGCAGAGGGAGGCAGAAGGGCCTTCCCACTCTG-3'
Protein context (NP_569055.1, residues 381-401): LAFTGLNLVA[Arg391Leu]NECSRDGDPA

ClinVar aggregate classification (germline): Uncertain significance (1 of 4 stars; one submission).

gnomAD v4.1: 6 of 1,614,152 alleles (0.00037%); highest among the groups gnomAD compares: Non-Finnish European, 0.00051%; no homozygotes.

Submission:

Ambry Genetics
Classification: Uncertain significance. Last evaluated: 2025-01-11. Review status: criteria provided, single submitter. Criteria: Ambry Variant Classification Scheme 2023. Collection method: clinical testing. Allele origin: germline.
Comment: The p.R391L variant (also known as c.1172G>T), located in coding exon 8 of the ATRIP gene, results from a G to T substitution at nucleotide position 1172. The arginine at codon 391 is replaced by leucine, an amino acid with dissimilar properties. This amino acid position is well conserved in available vertebrate species. In addition, the in silico prediction for this alteration is inconclusive. The evidence for this gene-disease relationship is limited; therefore, the clinical significance of this alteration is unclear.